The following is an entry in ClinVar:

NM_000053.4(ATP7B):c.2185A>G (p.Met729Val)

Gene: ATP7B (ATPase copper transporting beta; minus strand). Cytogenetic location: 13q14.3.
Variant type: single nucleotide variant.
Coding change: c.2185A>G on transcript NM_000053.4 (MANE Select); coding-DNA position 2185, A replaced by G.
Protein change: p.Met729Val; replaces methionine 729 with valine.
Molecular consequence: missense variant. On other transcripts: intron variant (2).
Genome position (GRCh38, 1-based): chr13:51,958,481, T>C on the plus strand (A>G on the coding strand, the complement: ATP7B is on the minus strand). VCF-style: chr13-51958481-T-C. GRCh37 (hg19) VCF-style: chr13-52532617-T-C.
Other names: c.1852A>G, p.Met618Val (NM_001243182.2); c.1933A>G, p.Met645Val (NM_001330579.2, NM_001406531.1, NM_001406532.1 and 1 more transcripts); c.2185A>G, p.Met729Val (NM_001406511.1, NM_001406512.1, NM_001406513.1 and 7 more transcripts); c.2152A>G, p.Met718Val (NM_001406514.1); c.2089A>G, p.Met697Val (NM_001406517.1, NM_001406518.1); c.1756A>G, p.Met586Val (NM_001406539.1); c.1837A>G, p.Met613Val (NM_001406543.1); c.1870-874A>G (NM_001005918.3); and 1 more; short protein forms M697V, M645V, M718V, M729V, M586V, M613V, M618V.
Identifiers: ClinVar variation 2137528 (VCV002137528.6), dbSNP rs773447981, ClinGen allele CA6989090.
Genomic context (GRCh38, chr13:51,958,481, plus strand): 5'-CCAGGATGACCAGAGAATAAACATAAGCAATGCTTGTGGCCAGGACGATGAGCACGTCCA[T>C]GTTGGCTGACCTGTGTCTCAGAGATTTGTAGGCCTGAACGTAGAAGTACCACCCACCGAG-3'
Protein context (NP_000044.2, residues 719-739): YKSLRHRSAN[Met729Val]DVLIVLATSI

ClinVar aggregate classification (germline): Conflicting classifications of pathogenicity. Review status: criteria provided, conflicting classifications (1 of 4 stars). 3 submissions from 3 submitters: Likely pathogenic (2); Uncertain significance (1). Last evaluated 2025-06-17.

Conditions:
Wilson disease (WND). Also called: Wilson's disease. Identifiers: Orphanet 905, MedGen C0019202, MONDO:0010200, OMIM 277900. Disease mechanism: loss of function.
ATP7B-related disorder. Also called: ATP7B-related condition.

Allele frequency attached by ClinVar (database versions not stated): ExAC 0.00001.
gnomAD v4.1: 1 of 1,614,174 alleles (0.000062%); highest among the groups gnomAD compares: East Asian, 0.0022%; no homozygotes.

Submissions (3):

Women's Health and Genetics/Laboratory Corporation of America, LabCorp
Classification: Uncertain significance. Last evaluated: 2025-06-17. Review status: criteria provided, single submitter. Criteria: LabCorp Variant Classification Summary - May 2015. Collection method: clinical testing. Allele origin: germline.
Comment: Variant summary: ATP7B c.2185A>G (p.Met729Val) results in a conservative amino acid change in the encoded protein sequence. Algorithms developed to predict the effect of missense changes on protein structure and function are either unavailable or do not agree on the potential impact of this missense change. The variant allele was found at a frequency of 4e-06 in 249578 control chromosomes (gnomAD). c.2185A>G has been observed in individuals affected with Wilson Disease (e.g., Park_2016, Zhang_2022). These data indicate that the variant may be associated with disease. At least one publication reports experimental evidence evaluating an impact on protein function, finding that the variant results in impaired function in yeast experiments (Park_2007). The following publications have been ascertained in the context of this evaluation (PMID: 17587212, 26466587, 35220961, 20931554, 34470610). ClinVar contains an entry for this variant (Variation ID: 2137528). Based on the evidence outlined above, the variant was classified as VUS-possibly pathogenic.

Labcorp Genetics (formerly Invitae), Labcorp
Classification: Likely pathogenic for Wilson disease. Last evaluated: 2022-09-18. Review status: criteria provided, single submitter. Criteria: Invitae Variant Classification Sherloc (09022015). Collection method: clinical testing. Allele origin: germline.
Comment: Experimental studies have shown that this missense change affects ATP7B function (PMID: 17587212). This sequence change replaces methionine, which is neutral and non-polar, with valine, which is neutral and non-polar, at codon 729 of the ATP7B protein (p.Met729Val). This variant is present in population databases (rs773447981, gnomAD 0.006%). This missense change has been observed in individual(s) with Wilson disease (PMID: 20931554, 26466587, 34470610). In at least one individual the data is consistent with being in trans (on the opposite chromosome) from a pathogenic variant. Advanced modeling of protein sequence and biophysical properties (such as structural, functional, and spatial information, amino acid conservation, physicochemical variation, residue mobility, and thermodynamic stability) performed at Invitae indicates that this missense variant is expected to disrupt ATP7B protein function. In summary, the currently available evidence indicates that the variant is pathogenic, but additional data are needed to prove that conclusively. Therefore, this variant has been classified as Likely Pathogenic.

Blueprint Genetics
Classification: Likely pathogenic for ATP7B-related disorders. Last evaluated: 2021-03-10. Review status: criteria provided, single submitter. Criteria: ACMG Guidelines, 2015. Collection method: clinical testing. Allele origin: germline. Affected: yes. Observed: 1 variant allele.

Literature cited by the submitters: PubMed 20931554 (cited by Women's Health and Genetics/Laboratory Corporation of America, LabCorp and Labcorp Genetics (formerly Invitae), Labcorp); PubMed 17587212 (cited by Women's Health and Genetics/Laboratory Corporation of America, LabCorp and Labcorp Genetics (formerly Invitae), Labcorp); PubMed 34470610 (cited by Women's Health and Genetics/Laboratory Corporation of America, LabCorp and Labcorp Genetics (formerly Invitae), Labcorp); PubMed 35220961 (cited by Women's Health and Genetics/Laboratory Corporation of America, LabCorp); PubMed 26466587 (cited by Women's Health and Genetics/Laboratory Corporation of America, LabCorp and Labcorp Genetics (formerly Invitae), Labcorp).